The following is an entry in ClinVar:

NM_000284.4(PDHA1):c.1035G>T (p.Glu345Asp)

Gene: PDHA1 (pyruvate dehydrogenase E1 subunit alpha 1; plus strand). Cytogenetic location: Xp22.12.
Variant type: single nucleotide variant.
Coding change: c.1035G>T on transcript NM_000284.4 (MANE Select); coding-DNA position 1035, G replaced by T.
Protein change: p.Glu345Asp; replaces glutamic acid 345 with aspartic acid.
Molecular consequence: missense variant.
Genome position (GRCh38, 1-based): chrX:19,359,515, G>T. VCF-style: chrX-19359515-G-T. GRCh37 (hg19) VCF-style: chrX-19377633-G-T.
Other names: c.1149G>T, p.Glu383Asp (NM_001173454.2); c.1056G>T, p.Glu352Asp (NM_001173455.2); c.942G>T, p.Glu314Asp (NM_001173456.2); short protein forms E352D, E383D, E314D, E345D.
Identifiers: ClinVar variation 2169750 (VCV002169750.2), dbSNP rs1029203990, ClinGen allele CA412396470.

ClinVar aggregate classification (germline): Uncertain significance (1 of 4 stars; one submission).

Conditions:
Pyruvate dehydrogenase E1-alpha deficiency (PDHAD). Also called: ATAXIA, INTERMITTENT, WITH PYRUVATE DEHYDROGENASE DEFICIENCY; ATAXIA WITH LACTIC ACIDOSIS I; ATAXIA, INTERMITTENT, WITH ABNORMAL PYRUVATE METABOLISM; Ataxia, intermittent, with pyruvate dehydrogenase, or decarboxylase, deficiency. Identifiers: Orphanet 79243, MedGen C1839413, MONDO:0010717, OMIM 312170.

Submission:

Labcorp Genetics (formerly Invitae), Labcorp
Classification: Uncertain significance for Pyruvate dehydrogenase E1-alpha deficiency. Last evaluated: 2022-09-04. Review status: criteria provided, single submitter. Criteria: Invitae Variant Classification Sherloc (09022015). Collection method: clinical testing. Allele origin: germline.
Comment: In summary, the available evidence is currently insufficient to determine the role of this variant in disease. Therefore, it has been classified as a Variant of Uncertain Significance. Algorithms developed to predict the effect of missense changes on protein structure and function (SIFT, PolyPhen-2, Align-GVGD) all suggest that this variant is likely to be tolerated. This variant has not been reported in the literature in individuals affected with PDHA1-related conditions. This variant is not present in population databases (gnomAD no frequency). This sequence change replaces glutamic acid, which is acidic and polar, with aspartic acid, which is acidic and polar, at codon 345 of the PDHA1 protein (p.Glu345Asp).